The following is an entry in ClinVar:

ClinVar aggregate classification (germline): Uncertain significance. Review status: criteria provided, single submitter (1 of 4 stars). 2 submissions from 2 submitters: Uncertain significance (1). 1 of the submissions does not count toward it. Last evaluated 2025-12-15.

Conditions:
TOP2B-related disorder. Also called: TOP2B-related condition.

Allele frequency attached by ClinVar (database versions not stated): gnomAD exomes below 0.00001.
gnomAD v4.1: 3 of 1,613,096 alleles (0.00019%); highest among the groups gnomAD compares: Non-Finnish European, 0.000085%; no homozygotes.

Submissions (2):

Labcorp Genetics (formerly Invitae), Labcorp
Classification: Uncertain significance. Last evaluated: 2025-12-15. Review status: criteria provided, single submitter. Criteria: Invitae Variant Classification Sherloc (09022015). Collection method: clinical testing. Allele origin: germline.
Comment: This sequence change replaces threonine, which is neutral and polar, with alanine, which is neutral and non-polar, at codon 1479 of the TOP2B protein (p.Thr1479Ala). This variant is not present in population databases (gnomAD no frequency). This variant has not been reported in the literature in individuals affected with TOP2B-related conditions. ClinVar contains an entry for this variant (Variation ID: 1497397). An algorithm developed to predict the effect of missense changes on protein structure and function (PolyPhen-2) suggests that this variant is likely to be tolerated. In summary, the available evidence is currently insufficient to determine the role of this variant in disease. Therefore, it has been classified as a Variant of Uncertain Significance.

PreventionGenetics, part of Exact Sciences
Classification: Uncertain significance for TOP2B-related condition. Last evaluated: 2023-11-02. Review status: no assertion criteria provided. Collection method: clinical testing. Allele origin: germline. Not counted in ClinVar's aggregate classification.
Comment: The TOP2B c.4450A>G variant is predicted to result in the amino acid substitution p.Thr1484Ala. To our knowledge, this variant has not been reported in the literature or in a large population database, indicating this variant is rare. At this time, the clinical significance of this variant is uncertain due to the absence of conclusive functional and genetic evidence.

NM_001330700.2(TOP2B):c.4450A>G (p.Thr1484Ala)

Gene: TOP2B (DNA topoisomerase II beta; minus strand). Cytogenetic location: 3p24.2.
Variant type: single nucleotide variant.
Coding change: c.4450A>G on transcript NM_001330700.2 (MANE Select); coding-DNA position 4450, A replaced by G.
Protein change: p.Thr1484Ala; replaces threonine 1484 with alanine.
Molecular consequence: missense variant.
Genome position (GRCh38, 1-based): chr3:25,604,799, T>C on the plus strand (A>G on the coding strand, the complement: TOP2B is on the minus strand). VCF-style: chr3-25604799-T-C. GRCh37 (hg19) VCF-style: chr3-25646290-T-C.
Other names: c.4450A>G (NM_001330700.1); c.4435A>G, p.Thr1479Ala (NM_001068.3); short protein forms T1479A, T1484A.
Identifiers: ClinVar variation 1497397 (VCV001497397.10), dbSNP rs2125345556, ClinGen allele CA351891604.